The following is an entry in ClinVar:

NM_000038.6(APC):c.2059C>G (p.Leu687Val)

Gene: APC (APC regulator of Wnt signaling pathway; plus strand). Cytogenetic location: 5q22.2.
Variant type: single nucleotide variant.
Coding change: c.2059C>G on transcript NM_000038.6 (MANE Select); coding-DNA position 2059, C replaced by G.
Protein change: p.Leu687Val; replaces leucine 687 with valine.
Molecular consequence: missense variant. On other transcripts: non-coding transcript variant (2).
Genome position (GRCh38, 1-based): chr5:112,837,653, C>G. VCF-style: chr5-112837653-C-G. GRCh37 (hg19) VCF-style: chr5-112173350-C-G.
Other names: c.2059C>G, p.Leu687Val (NM_001127510.3, NM_001354895.2, NM_001407450.1); c.2005C>G, p.Leu669Val (NM_001127511.3); c.2113C>G, p.Leu705Val (NM_001354896.2, NM_001407447.1, NM_001407448.1 and 1 more transcripts); c.2089C>G, p.Leu697Val (NM_001354897.2); c.1984C>G, p.Leu662Val (NM_001354898.2); c.1975C>G, p.Leu659Val (NM_001354899.2); c.1936C>G, p.Leu646Val (NM_001354900.2); c.1882C>G, p.Leu628Val (NM_001354901.2, NM_001407453.1); and 11 more; short protein forms L303V, L404V, L527V, L558V, L561V, L586V, L596V, L604V.
Identifiers: ClinVar variation 4976407 (VCV004976407.1).
Genomic context (GRCh38, chr5:112,837,653, plus strand): 5'-CAACACTTAAAATCTCATAGTTTGACAATAGTCAGTAATGCATGTGGAACTTTGTGGAAT[C>G]TCTCAGCAAGAAATCCTAAAGACCAGGAAGCATTATGGGACATGGGGGCAGTTAGCATGC-3'
Protein context (NP_000029.2, residues 677-697): VSNACGTLWN[Leu687Val]SARNPKDQEA

ClinVar aggregate classification (germline): Uncertain significance (1 of 4 stars; one submission).

Submission:

GeneDx
Classification: Uncertain significance. Last evaluated: 2026-02-13. Review status: criteria provided, single submitter. Criteria: GeneDx Variant Classification Process June 2021. Collection method: clinical testing. Allele origin: germline.
Comment: Not observed at significant frequency in large population cohorts (gnomAD); In silico analysis supports that this missense variant has a deleterious effect on protein structure/function; Has not been previously published as pathogenic or benign to our knowledge; This variant is associated with the following publications: (PMID: 18199528)